The following is an entry in ClinVar:

ClinVar aggregate classification (germline): Uncertain significance. Review status: criteria provided, multiple submitters, no conflicts (2 of 4 stars). 5 submissions from 4 submitters: Uncertain significance (5). Last evaluated 2025-04-28.

Conditions:
Cardiovascular phenotype. Identifiers: MedGen CN230736.
Dilated cardiomyopathy 1O (CMD1O). Also called: CARDIOMYOPATHY, DILATED, WITH VENTRICULAR TACHYCARDIA. Identifiers: Orphanet 154, MedGen C1837839, MONDO:0012062, OMIM 608569.
Hypertrichotic osteochondrodysplasia Cantu type. Also called: Cantú Syndrome; Cantu Syndrome. Identifiers: Orphanet 1517, MedGen C0795905, MONDO:0009406, OMIM 239850.

Allele frequency attached by ClinVar (database versions not stated): gnomAD 0.00001; gnomAD exomes 0.00001; ExAC 0.00002; TOPMed 0.00002; 1000 Genomes Project 0.00020; 1000 Genomes Project 30x 0.00031.
gnomAD v4.1: 23 of 1,613,732 alleles (0.0014%); highest among the groups gnomAD compares: Middle Eastern, 0.017%; no homozygotes.

Submissions (6):

Labcorp Genetics (formerly Invitae), Labcorp
Classification: Uncertain significance for Dilated cardiomyopathy 1O. Last evaluated: 2025-04-28. Review status: criteria provided, single submitter. Criteria: Invitae Variant Classification Sherloc (09022015). Collection method: clinical testing. Allele origin: germline.
Comment: This sequence change replaces glycine, which is neutral and non-polar, with serine, which is neutral and polar, at codon 720 of the ABCC9 protein (p.Gly720Ser). This variant is present in population databases (rs542184069, gnomAD 0.003%). This variant has not been reported in the literature in individuals affected with ABCC9-related conditions. ClinVar contains an entry for this variant (Variation ID: 882623). Invitae Evidence Modeling of protein sequence and biophysical properties (such as structural, functional, and spatial information, amino acid conservation, physicochemical variation, residue mobility, and thermodynamic stability) has been performed for this missense variant. However, the output from this modeling did not meet the statistical confidence thresholds required to predict the impact of this variant on ABCC9 protein function. In summary, the available evidence is currently insufficient to determine the role of this variant in disease. Therefore, it has been classified as a Variant of Uncertain Significance.

Ambry Genetics
Classification: Uncertain significance for Cardiovascular phenotype. Last evaluated: 2024-09-25. Review status: criteria provided, single submitter. Criteria: Ambry Variant Classification Scheme 2023. Collection method: clinical testing. Allele origin: germline.
Comment: The p.G720S variant (also known as c.2158G>A), located in coding exon 16 of the ABCC9 gene, results from a G to A substitution at nucleotide position 2158. The glycine at codon 720 is replaced by serine, an amino acid with similar properties. This amino acid position is highly conserved in available vertebrate species. In addition, this alteration is predicted to be deleterious by in silico analysis. Based on the available evidence, the clinical significance of this variant remains unclear.

Blueprint Genetics
Classification: Uncertain significance. Last evaluated: 2024-01-11. Review status: criteria provided, single submitter. Criteria: ACMG Guidelines, 2015. Collection method: clinical testing. Allele origin: germline.

Illumina Laboratory Services, Illumina
Classification: Uncertain significance for Hypertrichotic osteochondrodysplasia Cantu type. Last evaluated: 2018-01-13. Review status: criteria provided, single submitter. Criteria: ICSL Variant Classification Criteria 13 December 2019. Collection method: clinical testing. Allele origin: germline.

Illumina Laboratory Services, Illumina
Classification: Uncertain significance for Dilated cardiomyopathy 1O. Last evaluated: 2018-01-13. Review status: criteria provided, single submitter. Criteria: ICSL Variant Classification Criteria 13 December 2019. Collection method: clinical testing. Allele origin: germline.

Dr. Peter K. Rogan Lab, Western University
No classification provided (evidence only). Condition: Pancreatic adenocarcinoma. Review status: no classification provided. Collection method: in vitro. Allele origin: not applicable. Functional consequence: retained intron. Not counted in ClinVar's aggregate classification.

NM_020297.4(ABCC9):c.2158G>A (p.Gly720Ser)

Gene: ABCC9 (ATP binding cassette subfamily C member 9; minus strand). Cytogenetic location: 12p12.1.
Variant type: single nucleotide variant.
Coding change: c.2158G>A on transcript NM_020297.4 (MANE Select); coding-DNA position 2158, G replaced by A.
Protein change: p.Gly720Ser; replaces glycine 720 with serine.
Molecular consequence: missense variant.
Genome position (GRCh38, 1-based): chr12:21,872,665, C>T on the plus strand (G>A on the coding strand, the complement: ABCC9 is on the minus strand). VCF-style: chr12-21872665-C-T. GRCh37 (hg19) VCF-style: chr12-22025599-C-T.
Other names: c.2158G>A, p.Gly720Ser (NM_001377273.1, NM_005691.4); c.1294G>A, p.Gly432Ser (NM_001377274.1); short protein forms G720S, G432S.
Identifiers: ClinVar variation 882623 (VCV000882623.12), dbSNP rs542184069, ClinGen allele CA6481481.